The following is an entry in ClinVar:

ClinVar aggregate classification (germline): Pathogenic. Review status: criteria provided, single submitter (1 of 4 stars). 2 submissions from 2 submitters: Pathogenic (1). 1 of the submissions does not count toward it. Last evaluated 2025-04-03.

Conditions:
Marfan syndrome (MFS). Also called: Marfan syndrome type 1; Marfan syndrome, classic; Marfan's syndrome; FBN1-Related Marfan Syndrome; MARFAN SYNDROME, TYPE I. Identifiers: Orphanet 284963, Orphanet 558, MedGen C0024796, MONDO:0007947, OMIM 154700.

Submissions (2):

GeneDx
Classification: Pathogenic. Last evaluated: 2025-04-03. Review status: criteria provided, single submitter. Criteria: GeneDx Variant Classification Process June 2021. Collection method: clinical testing. Allele origin: germline. Affected: yes.
Comment: Not observed at significant frequency in large population cohorts (gnomAD); Affects a cysteine residue within an EGF-like domain of the FBN1 gene, which may affect disulfide bonding and is predicted to alter the structure and function of the protein; cysteine substitutions in the EGF-like domains represent the majority of pathogenic missense changes associated with FBN1-related disorders (PMID: 12938084); In silico analysis supports that this missense variant has a deleterious effect on protein structure/function; This variant is associated with the following publications: (PMID: 12938084, 22034023)

Center for Medical Genetics Ghent, University of Ghent
Classification: Likely pathogenic for Marfan syndrome. Last evaluated: 2017-11-07. Review status: no assertion criteria provided. Collection method: clinical testing. Allele origin: germline. Affected: yes. Not counted in ClinVar's aggregate classification.

NM_000138.5(FBN1):c.504C>G (p.Cys168Trp)

Gene: FBN1 (fibrillin 1; minus strand). Cytogenetic location: 15q21.1.
Variant type: single nucleotide variant.
Coding change: c.504C>G on transcript NM_000138.5 (MANE Select); coding-DNA position 504, C replaced by G.
Protein change: p.Cys168Trp; replaces cysteine 168 with tryptophan.
Molecular consequence: missense variant.
Genome position (GRCh38, 1-based): chr15:48,596,317, G>C on the plus strand (C>G on the coding strand, the complement: FBN1 is on the minus strand). VCF-style: chr15-48596317-G-C. GRCh37 (hg19) VCF-style: chr15-48888514-G-C.
Other names: short protein forms C168W.
Identifiers: ClinVar variation 549259 (VCV000549259.2), dbSNP rs200295020, ClinGen allele CA392446295.